The following is an entry in ClinVar:

ClinVar aggregate classification (germline): Uncertain significance (1 of 4 stars; one submission).

Conditions:
L-2-hydroxyglutaric aciduria (L2HGA). Identifiers: Orphanet 79314, MedGen C1855995, MONDO:0009370, OMIM 236792, HP:0040144.

Submission:

Labcorp Genetics (formerly Invitae), Labcorp
Classification: Uncertain significance for L-2-hydroxyglutaric aciduria. Last evaluated: 2024-01-02. Review status: criteria provided, single submitter. Criteria: Invitae Variant Classification Sherloc (09022015). Collection method: clinical testing. Allele origin: germline.
Comment: This sequence change replaces alanine, which is neutral and non-polar, with proline, which is neutral and non-polar, at codon 64 of the L2HGDH protein (p.Ala64Pro). This variant is not present in population databases (gnomAD no frequency). This variant has not been reported in the literature in individuals affected with L2HGDH-related conditions. ClinVar contains an entry for this variant (Variation ID: 1997010). Advanced modeling of protein sequence and biophysical properties (such as structural, functional, and spatial information, amino acid conservation, physicochemical variation, residue mobility, and thermodynamic stability) performed at Invitae indicates that this missense variant is expected to disrupt L2HGDH protein function with a positive predictive value of 80%. In summary, the available evidence is currently insufficient to determine the role of this variant in disease. Therefore, it has been classified as a Variant of Uncertain Significance.

NM_024884.3(L2HGDH):c.190G>C (p.Ala64Pro)

Gene: L2HGDH (L-2-hydroxyglutarate dehydrogenase; minus strand). Cytogenetic location: 14q21.3.
Variant type: single nucleotide variant.
Coding change: c.190G>C on transcript NM_024884.3 (MANE Select); coding-DNA position 190, G replaced by C.
Protein change: p.Ala64Pro; replaces alanine 64 with proline.
Molecular consequence: missense variant.
Genome position (GRCh38, 1-based): chr14:50,302,968, C>G on the plus strand (G>C on the coding strand, the complement: L2HGDH is on the minus strand). VCF-style: chr14-50302968-C-G. GRCh37 (hg19) VCF-style: chr14-50769686-C-G.
Other names: short protein forms A64P.
Identifiers: ClinVar variation 1997010 (VCV001997010.4), dbSNP rs2502523499, ClinGen allele CA389659598.